The following is an entry in ClinVar:

ClinVar aggregate classification (germline): Likely benign. Review status: criteria provided, single submitter (1 of 4 stars). 2 submissions from 2 submitters: Likely benign (1). 1 of the submissions does not count toward it. Last evaluated 2024-10-31.

Conditions:
ZFHX4-related disorder. Also called: ZFHX4-related condition.

Allele frequency attached by ClinVar (database versions not stated): ExAC 0.00048; gnomAD 0.00174; ESP Exome Variant Server 0.00188; 1000 Genomes Project 30x 0.00203; TOPMed 0.00210; 1000 Genomes Project 0.00220.
gnomAD v4.1: 578 of 1,613,584 alleles (0.036%); highest among the groups gnomAD compares: African/African-American, 0.6%; 1 homozygote.

Submissions (4):

Blueprint Genetics
Classification: Likely benign. Last evaluated: 2024-10-31. Review status: criteria provided, single submitter. Criteria: ACMG Guidelines, 2015. Collection method: clinical testing. Allele origin: germline.

PreventionGenetics, part of Exact Sciences
Classification: Benign for ZFHX4-related condition. Last evaluated: 2019-05-24. Review status: no assertion criteria provided. Collection method: clinical testing. Allele origin: germline. Not counted in ClinVar's aggregate classification.
Comment: This variant is classified as benign based on ACMG/AMP sequence variant interpretation guidelines (Richards et al. 2015 PMID: 25741868, with internal and published modifications).

Dr. Peter K. Rogan Lab, Western University
No classification provided (evidence only). Condition: Clear cell carcinoma of kidney. Review status: no classification provided. Collection method: in vitro. Allele origin: not applicable. Functional consequence: retained intron. Not counted in ClinVar's aggregate classification.

Dr. Peter K. Rogan Lab, Western University
No classification provided (evidence only). Condition: Uterine corpus endometrial carcinoma. Review status: no classification provided. Collection method: in vitro. Allele origin: not applicable. Functional consequence: retained intron. Not counted in ClinVar's aggregate classification.

NM_024721.5(ZFHX4):c.5820C>T (p.Gly1940=)

Gene: ZFHX4 (zinc finger homeobox 4; plus strand). Cytogenetic location: 8q21.13.
Variant type: single nucleotide variant.
Coding change: c.5820C>T on transcript NM_024721.5 (MANE Select); coding-DNA position 5820, C replaced by T.
Protein change: p.Gly1940=; no amino-acid change (glycine 1940 retained).
Molecular consequence: synonymous variant.
Genome position (GRCh38, 1-based): chr8:76,852,741, C>T. VCF-style: chr8-76852741-C-T. GRCh37 (hg19) VCF-style: chr8-77764977-C-T.
Other names: NC_000008.10:g.77764977C>T; c.5742C>T, p.Gly1914= (NM_001410934.1).
Identifiers: ClinVar variation 3038664 (VCV003038664.4), dbSNP rs183665267, ClinGen allele CA4787720.